The following is an entry in ClinVar:

ClinVar aggregate classification (germline): Likely benign. Review status: criteria provided, single submitter (1 of 4 stars). 2 submissions from 2 submitters: Likely benign (1). 1 of the submissions does not count toward it. Last evaluated 2025-06-03.

Conditions:
NUP62-related disorder. Also called: NUP62-related condition.

Allele frequency attached by ClinVar (database versions not stated): gnomAD exomes 0.00004; TOPMed 0.00001; ExAC 0.00004; ESP Exome Variant Server 0.00008; gnomAD 0.00002.
gnomAD v4.1: 63 of 1,613,872 alleles (0.0039%); highest among the groups gnomAD compares: South Asian, 0.015%; no homozygotes.

Submissions (2):

Labcorp Genetics (formerly Invitae), Labcorp
Classification: Likely benign. Last evaluated: 2025-06-03. Review status: criteria provided, single submitter. Criteria: Invitae Variant Classification Sherloc (09022015). Collection method: clinical testing. Allele origin: germline.

PreventionGenetics, part of Exact Sciences
Classification: Likely benign for NUP62-related condition. Last evaluated: 2019-05-02. Review status: no assertion criteria provided. Collection method: clinical testing. Allele origin: germline. Not counted in ClinVar's aggregate classification.
Comment: This variant is classified as likely benign based on ACMG/AMP sequence variant interpretation guidelines (Richards et al. 2015 PMID: 25741868, with internal and published modifications).

NM_016553.5(NUP62):c.561G>A (p.Thr187=)

Genes: IL4I1 (interleukin 4 induced 1; minus strand), NUP62 (nucleoporin 62; minus strand). Cytogenetic location: 19q13.33.
Variant type: single nucleotide variant.
Coding change: c.561G>A on transcript NM_016553.5 (MANE Select); coding-DNA position 561, G replaced by A.
Protein change: p.Thr187=; no amino-acid change (threonine 187 retained).
Molecular consequence: synonymous variant. On other transcripts: intron variant (3).
Genome position (GRCh38, 1-based): chr19:49,909,247, C>T on the plus strand (G>A on the coding strand, the complement: NUP62 is on the minus strand). VCF-style: chr19-49909247-C-T. GRCh37 (hg19) VCF-style: chr19-50412504-C-T.
Other names: c.561G>A, p.Thr187= (NM_001193357.2, NM_012346.5, NM_153718.4 and 1 more transcripts); c.-227-4926G>A (NM_001258017.2, NM_172374.3); c.-285-4926G>A (NM_001258018.2).
Identifiers: ClinVar variation 3037998 (VCV003037998.2), dbSNP rs149405354, ClinGen allele CA9589111.